The following is an entry in ClinVar:

NM_000111.3(SLC26A3):c.1990del (p.Ser663_Val664insTer)

Gene: SLC26A3 (solute carrier family 26 member 3; minus strand). Cytogenetic location: 7q22.3.
Variant type: Deletion.
Coding change: c.1990del on transcript NM_000111.3 (MANE Select); coding-DNA position 1990, one base deleted (G; older notation c.1990delG).
Protein change: p.Ser663_Val664insTer.
Molecular consequence: nonsense.
Genome position (GRCh38, 1-based): chr7:107,773,937, C deleted on the plus strand (G on the coding strand, the reverse complement: SLC26A3 is on the minus strand). VCF-style (leftmost placement, unchanged base first): chr7-107773936-AC-A. GRCh37 (hg19) VCF-style: chr7-107414381-AC-A.
Other names: c.1990delG (NM_000111.2).
Identifiers: ClinVar variation 55987 (VCV000055987.2), dbSNP rs386833469, ClinGen allele CA144077.

ClinVar aggregate classification (germline): Likely pathogenic (0 of 4 stars; one submission).

Conditions:
Congenital secretory diarrhea, chloride type (DIAR1). Also called: DIARRHEA 1, SECRETORY CHLORIDE, CONGENITAL; CHLORIDORRHEA, CONGENITAL; CHLORIDE DIARRHEA, CONGENITAL, FINNISH TYPE. Identifiers: Orphanet 53689, MedGen C0267662, MONDO:0008964, OMIM 214700.

Submission:

Juha Muilu Group; Institute for Molecular Medicine Finland (FIMM)
Classification: Likely pathogenic for Congenital secretory diarrhea, chloride type. Review status: no assertion criteria provided. Collection method: not provided. Allele origin: unknown.
Comment: FinDis database variant: This variant was not found or characterized by our laboratory, data were collected from public sources: see reference
ClinVar note: Converted during submission from probable-pathogenic to Likely pathogenic.